The following is an entry in ClinVar:

ClinVar aggregate classification (germline): Pathogenic (1 of 4 stars; one submission).

Conditions:
Intellectual developmental disorder, autosomal dominant 22. Also called: Intellectual disability, autosomal dominant 22. Identifiers: MedGen CN029689, MONDO:0012869, OMIM 612337.

Submission:

Greenwood Genetic Center Diagnostic Laboratories, Greenwood Genetic Center
Classification: Pathogenic for Intellectual developmental disorder, autosomal dominant 22. Last evaluated: 2025-05-06. Review status: criteria provided, single submitter. Criteria: ACMG Guidelines, 2015. Collection method: clinical testing. Allele origin: germline. Affected: yes.
Comment: PVS1_Strong, PS2, PM2

NM_205768.3(ZBTB18):c.942_943dup (p.Arg315fs)

Gene: ZBTB18 (zinc finger and BTB domain containing 18; plus strand). Cytogenetic location: 1q44.
Variant type: Duplication.
Coding change: c.942_943dup on transcript NM_205768.3 (MANE Select); coding-DNA positions 942 to 943, 2 bases duplicated (CA; older notation c.942_943dupCA).
Protein change: p.Arg315fs; shifts the reading frame from arginine 315.
Molecular consequence: frameshift variant. On other transcripts: 3 prime UTR variant (1).
Genome position (GRCh38, 1-based): chr1:244,054,716-244,054,717, CA duplicated; duplicating any 2 consecutive bases within chr1:244,054,715-244,054,717 gives the same sequence; the c. name uses the placement nearest the transcript's 3' end. VCF-style (leftmost placement, unchanged base first): chr1-244054714-A-AAC. GRCh37 (hg19) VCF-style: chr1-244218016-A-AAC.
Other names: c.915_916dup, p.Arg306fs (NM_001278196.2, NM_006352.5); c.*119_*120dup (NM_001421566.1); short protein forms R306fs, R315fs.
Identifiers: ClinVar variation 4538212 (VCV004538212.1).
Genomic context (GRCh38, chr1:244,054,714, plus strand): 5'-GTTGGCACTAATGACTATGACATGGAACATAGCACTGTGAAAGAAAGTGTGAGCACTAAT[A>AAC]ACAGGGTACAGTATGAGCCGGCCCATCTGGCTCCCCTGAGGGAGGACTCGGTCTTGAGGG-3'